The following is an entry in ClinVar:

NM_020911.2(PLXNA4):c.4884G>C (p.Thr1628=)

Gene: PLXNA4 (plexin A4; minus strand). Cytogenetic location: 7q32.3.
Variant type: single nucleotide variant.
Coding change: c.4884G>C on transcript NM_020911.2 (MANE Select); coding-DNA position 4884, G replaced by C.
Protein change: p.Thr1628=; no amino-acid change (threonine 1628 retained).
Molecular consequence: synonymous variant.
Genome position (GRCh38, 1-based): chr7:132,146,681, C>G on the plus strand (G>C on the coding strand, the complement: PLXNA4 is on the minus strand). VCF-style: chr7-132146681-C-G. GRCh37 (hg19) VCF-style: chr7-131831440-C-G.
Other names: c.4884G>C, p.Thr1628= (NM_001393897.1).
Identifiers: ClinVar variation 3354578 (VCV003354578.1).

ClinVar aggregate classification (germline): Likely benign (0 of 4 stars; one submission).

Conditions:
PLXNA4-related disorder. Also called: PLXNA4-related condition.

gnomAD v4.1: 43 of 1,614,036 alleles (0.0027%); highest among the groups gnomAD compares: Admixed American, 0.02%; no homozygotes.

Submission:

PreventionGenetics, part of Exact Sciences
Classification: Likely benign for PLXNA4-related condition. Last evaluated: 2021-07-05. Review status: no assertion criteria provided. Collection method: clinical testing. Allele origin: germline.
Comment: This variant is classified as likely benign based on ACMG/AMP sequence variant interpretation guidelines (Richards et al. 2015 PMID: 25741868, with internal and published modifications).